The following is an entry in ClinVar:

ClinVar aggregate classification (germline): Pathogenic (1 of 4 stars; one submission).

Conditions:
Congenital factor V deficiency. Also called: OWREN PARAHEMOPHILIA; PARAHEMOPHILIA; Hereditary factor V deficiency disease; LABILE FACTOR DEFICIENCY. Identifiers: Orphanet 326, MedGen C0015499, MONDO:0009210, OMIM 227400.

Submission:

Labcorp Genetics (formerly Invitae), Labcorp
Classification: Pathogenic for Congenital factor V deficiency. Last evaluated: 2024-02-03. Review status: criteria provided, single submitter. Criteria: Invitae Variant Classification Sherloc (09022015). Collection method: clinical testing. Allele origin: germline.
Comment: This sequence change creates a premature translational stop signal (p.Gly449*) in the F5 gene. It is expected to result in an absent or disrupted protein product. Loss-of-function variants in F5 are known to be pathogenic (PMID: 30924984). This variant is not present in population databases (gnomAD no frequency). This variant has not been reported in the literature in individuals affected with F5-related conditions. Algorithms developed to predict the effect of sequence changes on RNA splicing suggest that this variant may disrupt the consensus splice site. For these reasons, this variant has been classified as Pathogenic.

Literature cited by the submitters: PubMed 30924984.

NM_000130.5(F5):c.1345G>T (p.Gly449Ter)

Gene: F5 (coagulation factor V; minus strand). Cytogenetic location: 1q24.2.
Variant type: single nucleotide variant.
Coding change: c.1345G>T on transcript NM_000130.5 (MANE Select); coding-DNA position 1345, G replaced by T.
Protein change: p.Gly449Ter; replaces glycine 449 with a stop codon.
Molecular consequence: nonsense.
Genome position (GRCh38, 1-based): chr1:169,550,691, C>A on the plus strand (G>T on the coding strand, the complement: F5 is on the minus strand). VCF-style: chr1-169550691-C-A. GRCh37 (hg19) VCF-style: chr1-169519929-C-A.
Other names: short protein forms G449*.
Identifiers: ClinVar variation 3638643 (VCV003638643.2).